The following is an entry in ClinVar:

NM_000142.5(FGFR3):c.299C>G (p.Ser100Cys)

Gene: FGFR3 (fibroblast growth factor receptor 3; plus strand). Cytogenetic location: 4p16.3.
Variant type: single nucleotide variant.
Coding change: c.299C>G on transcript NM_000142.5 (MANE Select); coding-DNA position 299, C replaced by G.
Protein change: p.Ser100Cys; replaces serine 100 with cysteine.
Molecular consequence: missense variant. On other transcripts: non-coding transcript variant (1).
Genome position (GRCh38, 1-based): chr4:1,799,443, C>G. VCF-style: chr4-1799443-C-G. GRCh37 (hg19) VCF-style: chr4-1801170-C-G.
Other names: c.299C>G, p.Ser100Cys (NM_001163213.2, NM_001354809.2, NM_001354810.2 and 1 more transcripts); short protein forms S100C.
Identifiers: ClinVar variation 134396 (VCV000134396.1), dbSNP rs587778352, ClinGen allele CA159685.

ClinVar aggregate classification (germline): not provided (0 of 4 stars; one submission).

Allele frequency attached by ClinVar (database versions not stated): TOPMed 0.00001.

Submission:

ITMI
No classification provided. Condition: AllHighlyPenetrant. Last evaluated: 2013-09-19. Review status: no classification provided. Collection method: reference population. Allele origin: germline.
Comment: Please see associated publication for description of ethnicities

Literature cited by the submitters: PubMed 24728327.